The following is an entry in ClinVar:

ClinVar aggregate classification (germline): Pathogenic (1 of 4 stars; one submission).

Conditions:
Phenylketonuria (PKU). Also called: OLIGOPHRENIA PHENYLPYRUVICA; Phenylketonurias; FOLLING DISEASE; Phenylketonuria (PKU). Identifiers: Orphanet 716, MedGen C0031485, MONDO:0009861, OMIM 261600. Disease mechanism: loss of function.

Submission:

Labcorp Genetics (formerly Invitae), Labcorp
Classification: Pathogenic for Phenylketonuria. Last evaluated: 2018-06-23. Review status: criteria provided, single submitter. Criteria: Invitae Variant Classification Sherloc (09022015). Collection method: clinical testing. Allele origin: germline.
Comment: This sequence change creates a premature translational stop signal (p.Leu385Cysfs*15) in the PAH gene. It is expected to result in an absent or disrupted protein product. For these reasons, this variant has been classified as Pathogenic. Loss-of-function variants in PAH are known to be pathogenic (PMID: 1301187, 9634518). This variant has not been reported in the literature in individuals with PAH-related disease. This variant is not present in population databases (ExAC no frequency).

Literature cited by the submitters: PubMed 1301187; PubMed 9634518.

NM_000277.3(PAH):c.1153del (p.Leu385fs)

Gene: PAH (phenylalanine hydroxylase; minus strand). Cytogenetic location: 12q23.2.
Variant type: Deletion.
Coding change: c.1153del on transcript NM_000277.3 (MANE Select); coding-DNA position 1153, one base deleted (C; older notation c.1153delC).
Protein change: p.Leu385fs; shifts the reading frame from leucine 385.
Molecular consequence: frameshift variant.
Genome position (GRCh38, 1-based): chr12:102,843,692, G deleted on the plus strand (C on the coding strand, the reverse complement: PAH is on the minus strand); the first of 4 consecutive G bases (chr12:102,843,692-102,843,695); deleting any one gives the same sequence. VCF-style (leftmost placement, unchanged base first): chr12-102843691-AG-A. GRCh37 (hg19) VCF-style: chr12-103237469-AG-A.
Other names: c.1153del, p.Leu385fs (NM_001354304.2); short protein forms L385fs.
Identifiers: ClinVar variation 580754 (VCV000580754.6), dbSNP rs1565842203, ClinGen allele CA891843975.
Genomic context (GRCh38, chr12:102,843,691, plus strand): 5'-TTGTCACCACCTCACCTTACTTTCTCCTTGGCATCATTAAAACTCTCTGCCACGTAATAG[AG>A]GGGCTGGAACTCCGTGACAGTGTAATTTTGGATGGCTGTCTTCTCCAGCTCCAGGGGGAG-3'